The following is an entry in ClinVar:

NM_006648.4(WNK2):c.6568G>A (p.Gly2190Ser)

Gene: WNK2 (WNK lysine deficient protein kinase 2; plus strand). Cytogenetic location: 9q22.31.
Variant type: single nucleotide variant.
Coding change: c.6568G>A on transcript NM_006648.4 (MANE Select); coding-DNA position 6568, G replaced by A.
Protein change: p.Gly2190Ser; replaces glycine 2190 with serine.
Molecular consequence: missense variant.
Genome position (GRCh38, 1-based): chr9:93,317,571, G>A. VCF-style: chr9-93317571-G-A. GRCh37 (hg19) VCF-style: chr9-96079853-G-A.
Other names: c.6679G>A, p.Gly2227Ser (NM_001282394.3); short protein forms G2190S, G2227S.
Identifiers: ClinVar variation 3470445 (VCV003470445.1).

ClinVar aggregate classification (germline): Uncertain significance (1 of 4 stars; one submission).

gnomAD v4.1: 31 of 1,613,346 alleles (0.0019%); highest among the groups gnomAD compares: South Asian, 0.016%; no homozygotes.

Submission:

Ambry Genetics
Classification: Uncertain significance. Last evaluated: 2024-11-26. Review status: criteria provided, single submitter. Criteria: Ambry Variant Classification Scheme 2023. Collection method: clinical testing. Allele origin: germline.
Comment: The p.G2190S variant (also known as c.6568G>A), located in coding exon 28 of the WNK2 gene, results from a G to A substitution at nucleotide position 6568. The glycine at codon 2190 is replaced by serine, an amino acid with similar properties. This amino acid position is conserved. In addition, this alteration is predicted to be tolerated by in silico analysis. Based on the available evidence, the clinical significance of this variant remains unclear.